The following is an entry in ClinVar:

ClinVar aggregate classification (germline): Likely benign. Review status: criteria provided, multiple submitters, no conflicts (2 of 4 stars). 4 submissions from 4 submitters: Likely benign (3). 1 of the submissions does not count toward it. Last evaluated 2025-11-03.

Conditions:
Hereditary cancer-predisposing syndrome. Also called: Tumor predisposition; Neoplastic Syndromes, Hereditary; Hereditary Cancer Syndrome; Hereditary neoplastic syndrome. Identifiers: Orphanet 140162, MedGen C0027672, MeSH D009386, MONDO:0015356.
EGFR-related lung cancer (EGFR). Identifiers: MedGen CN130014.
EGFR-related disorder. Also called: EGFR-related condition.

Allele frequency attached by ClinVar (database versions not stated): ExAC 0.00001.
gnomAD v4.1: 9 of 1,614,176 alleles (0.00056%); highest among the groups gnomAD compares: Non-Finnish European, 0.00076%; no homozygotes.

Submissions (4):

Labcorp Genetics (formerly Invitae), Labcorp
Classification: Likely benign for EGFR-related lung cancer. Last evaluated: 2025-11-03. Review status: criteria provided, single submitter. Criteria: Invitae Variant Classification Sherloc (09022015). Collection method: clinical testing. Allele origin: germline.

Ambry Genetics
Classification: Likely benign for Hereditary cancer-predisposing syndrome. Last evaluated: 2024-11-17. Review status: criteria provided, single submitter. Criteria: Ambry Variant Classification Scheme 2023. Collection method: clinical testing. Allele origin: germline.

Sema4
Classification: Likely benign for Hereditary cancer-predisposing syndrome. Last evaluated: 2021-12-08. Review status: criteria provided, single submitter. Criteria: Sema4 Curation Guidelines. Collection method: curation. Allele origin: germline.

PreventionGenetics, part of Exact Sciences
Classification: Likely benign for EGFR-related condition. Last evaluated: 2023-11-10. Review status: no assertion criteria provided. Collection method: clinical testing. Allele origin: germline. Not counted in ClinVar's aggregate classification.
Comment: This variant is classified as likely benign based on ACMG/AMP sequence variant interpretation guidelines (Richards et al. 2015 PMID: 25741868, with internal and published modifications).

NM_005228.5(EGFR):c.2997T>C (p.Arg999=)

Gene: EGFR (epidermal growth factor receptor; plus strand). Cytogenetic location: 7p11.2.
Variant type: single nucleotide variant.
Coding change: c.2997T>C on transcript NM_005228.5 (MANE Select); coding-DNA position 2997, T replaced by C.
Protein change: p.Arg999=; no amino-acid change (arginine 999 retained).
Molecular consequence: synonymous variant.
Genome position (GRCh38, 1-based): chr7:55,201,238, T>C. VCF-style: chr7-55201238-T-C. GRCh37 (hg19) VCF-style: chr7-55268931-T-C.
Other names: c.2997T>C (NM_005228.4); c.2862T>C, p.Arg954= (NM_001346897.2, NM_001346899.2); c.2997T>C, p.Arg999= (NM_001346898.2); c.2838T>C, p.Arg946= (NM_001346900.2); c.2196T>C, p.Arg732= (NM_001346941.2).
Identifiers: ClinVar variation 1159566 (VCV001159566.13), dbSNP rs759622671, ClinGen allele CA4266236.